The following is an entry in ClinVar:

ClinVar aggregate classification (germline): Uncertain significance (1 of 4 stars; one submission).

Conditions:
Inborn genetic diseases. Identifiers: MedGen C0950123, MeSH D030342.

gnomAD v4.1: 5 of 1,612,522 alleles (0.00031%); highest among the groups gnomAD compares: Middle Eastern, 0.016%; no homozygotes.

Submission:

Ambry Genetics
Classification: Uncertain significance for Inborn genetic diseases. Last evaluated: 2024-12-08. Review status: criteria provided, single submitter. Criteria: Ambry Variant Classification Scheme 2023. Collection method: clinical testing. Allele origin: germline.
Comment: The p.L907F variant (also known as c.2721G>C), located in coding exon 28 of the RTEL1 gene, results from a G to C substitution at nucleotide position 2721. The leucine at codon 907 is replaced by phenylalanine, an amino acid with highly similar properties. This amino acid position is conserved. In addition, this alteration is predicted to be tolerated by in silico analysis. Based on the available evidence, the clinical significance of this variant remains unclear.

NM_001283009.2(RTEL1):c.2721G>C (p.Leu907Phe)

Genes: RTEL1 (regulator of telomere elongation helicase 1; plus strand), RTEL1-TNFRSF6B (RTEL1-TNFRSF6B readthrough (NMD candidate); plus strand). Cytogenetic location: 20q13.33.
Variant type: single nucleotide variant.
Coding change: c.2721G>C on transcript NM_001283009.2 (MANE Select); coding-DNA position 2721, G replaced by C.
Protein change: p.Leu907Phe; replaces leucine 907 with phenylalanine.
Molecular consequence: missense variant. On other transcripts: non-coding transcript variant (1).
Genome position (GRCh38, 1-based): chr20:63,692,873, G>C. VCF-style: chr20-63692873-G-C. GRCh37 (hg19) VCF-style: chr20-62324226-G-C.
Other names: c.2052G>C, p.Leu684Phe (NM_001283010.1); c.2721G>C, p.Leu907Phe (NM_016434.4); c.2793G>C, p.Leu931Phe (NM_032957.5); short protein forms L684F, L931F, L907F.
Identifiers: ClinVar variation 3436047 (VCV003436047.1).